The following is an entry in ClinVar:

ClinVar aggregate classification (germline): Uncertain significance. Review status: criteria provided, multiple submitters, no conflicts (2 of 4 stars). 3 submissions from 3 submitters: Uncertain significance (3). Last evaluated 2025-10-08.

Conditions:
Cardiovascular phenotype. Identifiers: MedGen CN230736.
Brugada syndrome. Also called: Sudden unexpected nocturnal death syndrome; Sudden unexplained nocturnal death syndrome; Sudden Unexplained Death Syndrome; Sudden Unexplained Nocturnal Death Syndrome (SUNDS). Identifiers: Orphanet 130, MedGen C1142166, MONDO:0015263.

Allele frequency attached by ClinVar (database versions not stated): ExAC 0.00001; gnomAD 0.00001; gnomAD exomes 0.00001.
gnomAD v4.1: 2 of 1,613,890 alleles (0.00012%); highest among the groups gnomAD compares: Non-Finnish European, 0.00017%; no homozygotes.

Submissions (3):

Labcorp Genetics (formerly Invitae), Labcorp
Classification: Uncertain significance for Brugada syndrome. Last evaluated: 2025-10-08. Review status: criteria provided, single submitter. Criteria: Invitae Variant Classification Sherloc (09022015). Collection method: clinical testing. Allele origin: germline.
Comment: This sequence change replaces proline, which is neutral and non-polar, with leucine, which is neutral and non-polar, at codon 128 of the GPD1L protein (p.Pro128Leu). This variant is present in population databases (rs201900323, gnomAD 0.002%). This variant has not been reported in the literature in individuals affected with GPD1L-related conditions. ClinVar contains an entry for this variant (Variation ID: 191445). Invitae Evidence Modeling of protein sequence and biophysical properties (such as structural, functional, and spatial information, amino acid conservation, physicochemical variation, residue mobility, and thermodynamic stability) indicates that this missense variant is not expected to disrupt GPD1L protein function with a negative predictive value of 80%. In summary, the available evidence is currently insufficient to determine the role of this variant in disease. Therefore, it has been classified as a Variant of Uncertain Significance.

Ambry Genetics
Classification: Uncertain significance for Cardiovascular phenotype. Last evaluated: 2017-01-27. Review status: criteria provided, single submitter. Criteria: Ambry Variant Classification Scheme 2023. Collection method: clinical testing. Allele origin: germline.
Comment: The p.P128L variant (also known as c.383C>T), located in coding exon 4 of the GPD1L gene, results from a C to T substitution at nucleotide position 383. The proline at codon 128 is replaced by leucine, an amino acid with some similar properties. This alteration has been reported as a secondary cardiac variant in an exome cohort (Ng D et al. Circ Cardiovasc Genet, 2013 Aug;6:337-46). This amino acid position is highly conserved in available vertebrate species. In addition, this alteration is predicted to be tolerated by in silico analysis. Since supporting evidence is limited at this time, the clinical significance of this alteration remains unclear.

Biesecker Lab/Clinical Genomics Section, National Institutes of Health
Classification: Uncertain significance. Last evaluated: 2013-06-24. Review status: criteria provided, single submitter. Criteria: Ng et al. (Circ Cardiovasc Genet. 2013). Collection method: research. Allele origin: unknown. Observed: 1 variant allele. Study: ClinSeq.
Comment: The study set was not selected for affection status in relation to any cancer. Pathogenicity categories were based on literature curation. See Pubmed ID:23861362 for details.

Medical sequencing

Literature cited by the submitters: PubMed 23861362 (cited by Ambry Genetics).

NM_015141.4(GPD1L):c.383C>T (p.Pro128Leu)

Gene: GPD1L (glycerol-3-phosphate dehydrogenase 1 like; plus strand). Cytogenetic location: 3p22.3.
Variant type: single nucleotide variant.
Coding change: c.383C>T on transcript NM_015141.4 (MANE Select); coding-DNA position 383, C replaced by T.
Protein change: p.Pro128Leu; replaces proline 128 with leucine.
Molecular consequence: missense variant.
Genome position (GRCh38, 1-based): chr3:32,140,244, C>T. VCF-style: chr3-32140244-C-T. GRCh37 (hg19) VCF-style: chr3-32181736-C-T.
Other names: short protein forms P128L.
Identifiers: ClinVar variation 191445 (VCV000191445.6), dbSNP rs201900323, ClinGen allele CA236683.
Genomic context (GRCh38, chr3:32,140,244, plus strand): 5'-GATTTGGCGGTTTGTTCTCTCCTAACTTCTTGGCATCCTTGTAGGGCATAGACGAGGGCC[C>T]CGAGGGGCTGAAGCTCATTTCTGACATCATCCGTGAGAAGATGGGTATTGACATCAGTGT-3'
Protein context (NP_055956.1, residues 118-138): ITLIKGIDEG[Pro128Leu]EGLKLISDII